The following is an entry in ClinVar:

ClinVar aggregate classification (germline): Uncertain significance (1 of 4 stars; one submission).

gnomAD v4.1: 1 of 1,612,518 alleles (0.000062%); highest among the groups gnomAD compares: Non-Finnish European, 0.000085%; no homozygotes.

Submission:

Ambry Genetics
Classification: Uncertain significance. Last evaluated: 2024-11-26. Review status: criteria provided, single submitter. Criteria: Ambry Variant Classification Scheme 2023. Collection method: clinical testing. Allele origin: germline.
Comment: The p.P1128S variant (also known as c.3382C>T), located in coding exon 13 of the WNK2 gene, results from a C to T substitution at nucleotide position 3382. The proline at codon 1128 is replaced by serine, an amino acid with similar properties. This amino acid position is conserved. In addition, this alteration is predicted to be tolerated by in silico analysis. Based on the available evidence, the clinical significance of this variant remains unclear.

NM_006648.4(WNK2):c.3382C>T (p.Pro1128Ser)

Gene: WNK2 (WNK lysine deficient protein kinase 2; plus strand). Cytogenetic location: 9q22.31.
Variant type: single nucleotide variant.
Coding change: c.3382C>T on transcript NM_006648.4 (MANE Select); coding-DNA position 3382, C replaced by T.
Protein change: p.Pro1128Ser; replaces proline 1128 with serine.
Molecular consequence: missense variant.
Genome position (GRCh38, 1-based): chr9:93,262,691, C>T. VCF-style: chr9-93262691-C-T. GRCh37 (hg19) VCF-style: chr9-96024973-C-T.
Other names: c.3382C>T, p.Pro1128Ser (NM_001282394.3); short protein forms P1128S.
Identifiers: ClinVar variation 3470461 (VCV003470461.1).